The following is an entry in ClinVar:

NM_001035.3(RYR2):c.10444G>T (p.Ala3482Ser)

Gene: RYR2 (ryanodine receptor 2; plus strand). Cytogenetic location: 1q43.
Variant type: single nucleotide variant.
Coding change: c.10444G>T on transcript NM_001035.3 (MANE Select); coding-DNA position 10444, G replaced by T.
Protein change: p.Ala3482Ser; replaces alanine 3482 with serine.
Molecular consequence: missense variant.
Genome position (GRCh38, 1-based): chr1:237,717,318, G>T. VCF-style: chr1-237717318-G-T. GRCh37 (hg19) VCF-style: chr1-237880618-G-T.
Other names: short protein forms A3482S.
Identifiers: ClinVar variation 4800105 (VCV004800105.1).
Genomic context (GRCh38, chr1:237,717,318, plus strand): 5'-CAGACCTCTCTGATTGTAGCAGCTCTGAAGCGGTTACTGCCCATTGGGTTGAACATCTGT[G>T]CCCCTGGGGACCAGGAGCTCATTGCTCTGGCCAAAAATCGATTTAGCCTGGTAAGTCTCC-3'
Protein context (NP_001026.2, residues 3472-3492): RLLPIGLNIC[Ala3482Ser]PGDQELIALA

ClinVar aggregate classification (germline): Uncertain significance (1 of 4 stars; one submission).

Conditions:
Catecholaminergic polymorphic ventricular tachycardia 1. Also called: VENTRICULAR TACHYCARDIA, STRESS-INDUCED POLYMORPHIC 1; RYR2-Related Catecholaminergic Polymorphic Ventricular Tachycardia; VENTRICULAR TACHYCARDIA, CATECHOLAMINERGIC POLYMORPHIC, 1, WITH OR WITHOUT ATRIAL DYSFUNCTION AND/OR DILATED CARDIOMYOPATHY. Identifiers: Orphanet 3286, MedGen C1631597, MONDO:0011484, OMIM 604772.

gnomAD v4.1: 1 of 1,612,260 alleles (0.000062%); highest among the groups gnomAD compares: South Asian, 0.0011%; no homozygotes.

Submission:

Labcorp Genetics (formerly Invitae), Labcorp
Classification: Uncertain significance for Catecholaminergic polymorphic ventricular tachycardia 1. Last evaluated: 2025-07-09. Review status: criteria provided, single submitter. Criteria: Invitae Variant Classification Sherloc (09022015). Collection method: clinical testing. Allele origin: germline.
Comment: This sequence change replaces alanine, which is neutral and non-polar, with serine, which is neutral and polar, at codon 3482 of the RYR2 protein (p.Ala3482Ser). This variant is present in population databases (rs757656504, gnomAD 0.003%). This variant has not been reported in the literature in individuals affected with RYR2-related conditions. Invitae Evidence Modeling of protein sequence and biophysical properties (such as structural, functional, and spatial information, amino acid conservation, physicochemical variation, residue mobility, and thermodynamic stability) indicates that this missense variant is not expected to disrupt RYR2 protein function with a negative predictive value of 95%. In summary, the available evidence is currently insufficient to determine the role of this variant in disease. Therefore, it has been classified as a Variant of Uncertain Significance.